The following is an entry in ClinVar:

ClinVar aggregate classification (germline): Pathogenic (1 of 4 stars; one submission).

Submission:

Labcorp Genetics (formerly Invitae), Labcorp
Classification: Pathogenic. Last evaluated: 2023-05-20. Review status: criteria provided, single submitter. Criteria: Invitae Variant Classification Sherloc (09022015). Collection method: clinical testing. Allele origin: germline.
Comment: Algorithms developed to predict the effect of sequence changes on RNA splicing suggest that this variant may disrupt the consensus splice site. For these reasons, this variant has been classified as Pathogenic. Disruption of this splice site has been observed in individuals with nail patella syndrome (PMID: 15498463; Invitae). The frequency data for this variant in the population databases is considered unreliable, as metrics indicate poor data quality at this position in the gnomAD database. This sequence change affects an acceptor splice site in intron 5 of the LMX1B gene. It is expected to disrupt RNA splicing. Variants that disrupt the donor or acceptor splice site typically lead to a loss of protein function (PMID: 16199547), and loss-of-function variants in LMX1B are known to be pathogenic (PMID: 9590287, 15498463).

Literature cited by the submitters: PubMed 15498463; PubMed 16199547; PubMed 9590287.

NM_001174147.2(LMX1B):c.820-1G>A

Gene: LMX1B (LIM homeobox transcription factor 1 beta; plus strand). Cytogenetic location: 9q33.3.
Variant type: single nucleotide variant.
Coding change: c.820-1G>A on transcript NM_001174147.2 (MANE Select); the canonical splice acceptor site of the intron before coding-DNA position 820, G replaced by A.
Molecular consequence: splice acceptor variant.
Genome position (GRCh38, 1-based): chr9:126,693,745, G>A. VCF-style: chr9-126693745-G-A. GRCh37 (hg19) VCF-style: chr9-129456024-G-A.
Other names: c.820-1G>A (NM_001174146.2, NM_002316.4).
Identifiers: ClinVar variation 2735339 (VCV002735339.3), dbSNP rs1397111065, ClinGen allele CA374913980.
Genomic context (GRCh38, chr9:126,693,745, plus strand): 5'-TGGGGCTGGCTGTGCCTGGGGGCGAGGGGCAGCACCGGCCTGAACTGCGCTCTCCCTGCA[G>A]ATGAAGAAGCTGGCGCGGCGGCACCAGCAGCAGCAGGAGCAGCAGAACTCCCAGCGGCTG-3'